The following is an entry in ClinVar:

ClinVar aggregate classification (germline): Likely pathogenic (1 of 4 stars; one submission).

Conditions:
Primary dilated cardiomyopathy (DCM). Also called: Dilated Cardiomyopathy. Identifiers: Orphanet 217604, MedGen C0007193, MeSH D002311, MONDO:0005021, HP:0001644. Inheritance: Various modes of inheritance.

Allele frequency attached by ClinVar (database versions not stated): gnomAD exomes below 0.00001.

Submission:

Laboratory for Molecular Medicine, Mass General Brigham Personalized Medicine
Classification: Likely pathogenic for Primary dilated cardiomyopathy. Last evaluated: 2013-08-11. Review status: criteria provided, single submitter. Criteria: LMM Criteria. Collection method: clinical testing. Allele origin: germline. Inheritance: Autosomal dominant inheritance. Observed: 1 variant allele.
Comment: The Ser20857fs variant in TTN has not been reported in individuals with cardiomy opathy or in large population studies. This frameshift variant is predicted to a lter the protein?s amino acid sequence beginning at position 20857 and lead to a premature termination codon 4 amino acids downstream. This alteration is then p redicted to lead to a truncated or absent protein. Frameshift and other truncati ng variants in TTN are strongly associated with DCM and the majority occur in th e A-band (Herman 2012, LMM unpublished data), where this variant is located. In summary, this variant is likely to be pathogenic, though additional studies are required to fully establish its clinical significance.

NM_001267550.2(TTN):c.70275del (p.Ser23425fs)

Genes: TTN (titin; minus strand), TTN-AS1 (TTN antisense RNA 1; plus strand), LOC126806422 (BRD4-independent group 4 enhancer GRCh37_chr2:179440205-179441404; plus strand). Cytogenetic location: 2q31.2.
Variant type: Deletion.
Coding change: c.70275del on transcript NM_001267550.2 (MANE Select); coding-DNA position 70275, one base deleted (T; older notation c.70275delT).
Protein change: p.Ser23425fs; shifts the reading frame from serine 23425.
Molecular consequence: frameshift variant.
Genome position (GRCh38, 1-based): chr2:178,575,857, A deleted on the plus strand (T on the coding strand, the reverse complement: TTN is on the minus strand). VCF-style (leftmost placement, unchanged base first): chr2-178575856-CA-C. GRCh37 (hg19) VCF-style: chr2-179440583-CA-C.
Other names: c.62571delT (NM_133378.4); c.65352del, p.Ser21784fs (NM_001256850.1); c.43080del, p.Ser14360fs (NM_003319.4); c.62571del, p.Ser20857fs (NM_133378.4); c.43455del, p.Ser14485fs (NM_133432.3); c.43656del, p.Ser14552fs (NM_133437.4); short protein forms S14360fs, S14485fs, S23425fs, S20857fs, S21784fs, S14552fs.
Identifiers: ClinVar variation 179134 (VCV000179134.5), dbSNP rs727504655, ClinGen allele CA273590.
Genomic context (GRCh38, chr2:178,575,856, plus strand): 5'-CTGTAGGCCGCAGGTTGAGGACTGGGCCTGGCGTGTCCAAGACTCTGACGTTCACAAAGC[CA>C]CTTTTCTTCCCAGCCGGGTTTTCAATGGTCATGACAAATTTACCGGTATCATATCTGTTA-3'